The following is an entry in ClinVar:

ClinVar aggregate classification (germline): Uncertain significance. Review status: criteria provided, multiple submitters, no conflicts (2 of 4 stars). 3 submissions from 3 submitters: Uncertain significance (3). Last evaluated 2025-12-16.

Conditions:
Leukodystrophy and acquired microcephaly with or without dystonia;. Also called: Leukodystrophy and acquired microcephaly with or without dystonia. Identifiers: MedGen C4225213, MONDO:0014766, OMIM 616763.

Allele frequency attached by ClinVar (database versions not stated): ESP Exome Variant Server 0.00008; TOPMed 0.00009; ExAC 0.00011; gnomAD 0.00011; gnomAD exomes 0.00013 and 0.00022.
gnomAD v4.1: 327 of 1,602,254 alleles (0.02%); highest among the groups gnomAD compares: Non-Finnish European, 0.024%; no homozygotes.

Submissions (3):

Labcorp Genetics (formerly Invitae), Labcorp
Classification: Uncertain significance. Last evaluated: 2025-12-16. Review status: criteria provided, single submitter. Criteria: Invitae Variant Classification Sherloc (09022015). Collection method: clinical testing. Allele origin: germline.
Comment: This sequence change replaces glycine, which is neutral and non-polar, with arginine, which is basic and polar, at codon 1347 of the PLEKHG2 protein (p.Gly1347Arg). This variant is present in population databases (rs374916077, gnomAD 0.06%). This variant has not been reported in the literature in individuals affected with PLEKHG2-related conditions. ClinVar contains an entry for this variant (Variation ID: 1029865). An algorithm developed to predict the effect of missense changes on protein structure and function (PolyPhen-2) suggests that this variant is likely to be disruptive. In summary, the available evidence is currently insufficient to determine the role of this variant in disease. Therefore, it has been classified as a Variant of Uncertain Significance.

Ambry Genetics
Classification: Uncertain significance. Last evaluated: 2024-09-02. Review status: criteria provided, single submitter. Criteria: Ambry Variant Classification Scheme 2023. Collection method: clinical testing. Allele origin: germline.

Baylor Genetics
Classification: Uncertain significance for Leukodystrophy and acquired microcephaly with or without dystonia;. Last evaluated: 2019-06-19. Review status: criteria provided, single submitter. Criteria: ACMG Guidelines, 2015. Collection method: clinical testing. Allele origin: unknown. Affected: yes.
Comment: This variant was determined to be of uncertain significance according to ACMG Guidelines, 2015 [PMID:25741868].

NM_022835.3(PLEKHG2):c.4039G>A (p.Gly1347Arg)

Gene: PLEKHG2 (pleckstrin homology and RhoGEF domain containing G2; plus strand). Cytogenetic location: 19q13.2.
Variant type: single nucleotide variant.
Coding change: c.4039G>A on transcript NM_022835.3 (MANE Select); coding-DNA position 4039, G replaced by A.
Protein change: p.Gly1347Arg; replaces glycine 1347 with arginine.
Molecular consequence: missense variant. On other transcripts: intron variant (2).
Genome position (GRCh38, 1-based): chr19:39,425,172, G>A. VCF-style: chr19-39425172-G-A. GRCh37 (hg19) VCF-style: chr19-39915812-G-A.
Other names: c.3573-66G>A (NM_001351693.2); c.1678-66G>A (NM_001351694.2); short protein forms G1347R.
Identifiers: ClinVar variation 1029865 (VCV001029865.3), dbSNP rs374916077, ClinGen allele CA9430124.